The following is an entry in ClinVar:

ClinVar aggregate classification (germline): Pathogenic. Review status: criteria provided, single submitter (1 of 4 stars). 2 submissions from 2 submitters: Pathogenic (1). 1 of the submissions does not count toward it. Last evaluated 2022-09-27.

Conditions:
Lissencephaly due to LIS1 mutation (LIS1). Also called: PAFAH1B1-Associated Lissencephaly/Subcortical Band Heterotopia; PAFAH1B1-Related Lissencephaly/Subcortical Band Heterotopia; Isolated Lissencephaly Sequence. Identifiers: Orphanet 95232, MedGen C4749301, MONDO:0011830, OMIM 607432.

Submissions (2):

Labcorp Genetics (formerly Invitae), Labcorp
Classification: Pathogenic. Last evaluated: 2022-09-27. Review status: criteria provided, single submitter. Criteria: Invitae Variant Classification Sherloc (09022015). Collection method: clinical testing. Allele origin: germline.
Comment: This missense change has been observed in individual(s) with lissencephaly (PMID: 9063735, 19667223). In at least one individual the variant was observed to be de novo. This variant is not present in population databases (gnomAD no frequency). This sequence change replaces histidine, which is basic and polar, with arginine, which is basic and polar, at codon 149 of the PAFAH1B1 protein (p.His149Arg). Algorithms developed to predict the effect of missense changes on protein structure and function (SIFT, PolyPhen-2, Align-GVGD) all suggest that this variant is likely to be disruptive. For these reasons, this variant has been classified as Pathogenic. Experimental studies have shown that this missense change affects PAFAH1B1 function (PMID: 12885796). ClinVar contains an entry for this variant (Variation ID: 8073).

OMIM
Classification: Pathogenic for LISSENCEPHALY 1. Last evaluated: 2001-08-14. Review status: no assertion criteria provided. Collection method: literature only. Allele origin: germline. Not counted in ClinVar's aggregate classification.

Literature cited by the submitters: PubMed 9063735 (cited by Labcorp Genetics (formerly Invitae), Labcorp and OMIM); PubMed 19667223 (cited by Labcorp Genetics (formerly Invitae), Labcorp); PubMed 12885796 (cited by Labcorp Genetics (formerly Invitae), Labcorp); Chong, S. S., Lo Nigro, C., Roschke, A. V., Tanigami, A., Pack, S. D., Smith, A. C. M., Carrozzo, R., Dobyns, W. B., Ledbetter, D. H. Point mutations and an intragenic deletion in three ILS patients confirm LIS1 as the lissencephaly causative gene in isolated lissencephaly sequence and Miller-Dieker syndrome. (Abstract) Am. J. Hum. Genet. 59 (suppl.): A23-only, 1996. (cited by OMIM); PubMed 11502906 (cited by OMIM).

NM_000430.4(PAFAH1B1):c.446A>G (p.His149Arg)

Gene: PAFAH1B1 (platelet activating factor acetylhydrolase 1b regulatory subunit 1; plus strand). Cytogenetic location: 17p13.3.
Variant type: single nucleotide variant.
Coding change: c.446A>G on transcript NM_000430.4 (MANE Select); coding-DNA position 446, A replaced by G.
Protein change: p.His149Arg; replaces histidine 149 with arginine.
Molecular consequence: missense variant.
Genome position (GRCh38, 1-based): chr17:2,670,209, A>G. VCF-style: chr17-2670209-A-G. GRCh37 (hg19) VCF-style: chr17-2573503-A-G.
Other names: short protein forms H149R.
Identifiers: ClinVar variation 8073 (VCV000008073.5), dbSNP rs121434482, ClinGen allele CA254311.